The following is an entry in ClinVar:

NM_000282.4(PCCA):c.965C>T (p.Ala322Val)

Gene: PCCA (propionyl-CoA carboxylase subunit alpha; plus strand). Cytogenetic location: 13q32.3.
Variant type: single nucleotide variant.
Coding change: c.965C>T on transcript NM_000282.4 (MANE Select); coding-DNA position 965, C replaced by T.
Protein change: p.Ala322Val; replaces alanine 322 with valine.
Molecular consequence: missense variant. On other transcripts: non-coding transcript variant (5).
Genome position (GRCh38, 1-based): chr13:100,273,246, C>T. VCF-style: chr13-100273246-C-T. GRCh37 (hg19) VCF-style: chr13-100925500-C-T.
Other names: c.965C>T (NM_000282.3); c.887C>T, p.Ala296Val (NM_001127692.3, NM_001352607.2, NM_001352608.2); c.965C>T, p.Ala322Val (NM_001178004.2, NM_001352605.2, NM_001352606.2 and 1 more transcripts); c.20C>T, p.Ala7Val (NM_001352610.2, NM_001352611.2, NM_001352612.2); short protein forms A296V, A322V, A7V.
Identifiers: ClinVar variation 1384823 (VCV001384823.4), dbSNP rs143527709, ClinGen allele CA7033467.
Genomic context (GRCh38, chr13:100,273,246, plus strand): 5'-GTATATGTAGCATTTTTTTGGATGCGGAGACTCGAAGAGCGATGGGAGAACAAGCTGTAG[C>T]TCTTGCCAGAGCAGTAAAATATTCCTCTGCTGGGACCGTGGAGTTCCTTGTGGACTCTAA-3'
Protein context (NP_000273.2, residues 312-332): TRRAMGEQAV[Ala322Val]LARAVKYSSA

ClinVar aggregate classification (germline): Uncertain significance. Review status: criteria provided, multiple submitters, no conflicts (2 of 4 stars). 2 submissions from 2 submitters: Uncertain significance (2). Last evaluated 2025-02-25.

Conditions:
Propionic acidemia (PROP). Also called: GLYCINEMIA, KETOTIC; HYPERGLYCINEMIA WITH KETOACIDOSIS AND LEUKOPENIA; KETOTIC HYPERGLYCINEMIA. Identifiers: Orphanet 35, MedGen C0268579, MONDO:0011628, OMIM 606054, HP:0003571.

Allele frequency attached by ClinVar (database versions not stated): gnomAD exomes 0.00002; ExAC 0.00004; ESP Exome Variant Server 0.00015; gnomAD 0.00020 and 0.00022; TOPMed 0.00022.
gnomAD v4.1: 52 of 1,612,054 alleles (0.0032%); highest among the groups gnomAD compares: African/African-American, 0.065%; no homozygotes.

Submissions (2):

GeneDx
Classification: Uncertain significance. Last evaluated: 2025-02-25. Review status: criteria provided, single submitter. Criteria: GeneDx Variant Classification Process June 2021. Collection method: clinical testing. Allele origin: germline. Affected: yes.
Comment: In silico analysis supports that this missense variant has a deleterious effect on protein structure/function; Has not been previously published as pathogenic or benign to our knowledge

Labcorp Genetics (formerly Invitae), Labcorp
Classification: Uncertain significance for Propionic acidemia. Last evaluated: 2022-08-20. Review status: criteria provided, single submitter. Criteria: Invitae Variant Classification Sherloc (09022015). Collection method: clinical testing. Allele origin: germline.
Comment: This sequence change replaces alanine, which is neutral and non-polar, with valine, which is neutral and non-polar, at codon 322 of the PCCA protein (p.Ala322Val). This variant is present in population databases (rs143527709, gnomAD 0.06%). This variant has not been reported in the literature in individuals affected with PCCA-related conditions. ClinVar contains an entry for this variant (Variation ID: 1384823). Advanced modeling of protein sequence and biophysical properties (such as structural, functional, and spatial information, amino acid conservation, physicochemical variation, residue mobility, and thermodynamic stability) performed at Invitae indicates that this missense variant is expected to disrupt PCCA protein function. In summary, the available evidence is currently insufficient to determine the role of this variant in disease. Therefore, it has been classified as a Variant of Uncertain Significance.